The following is an entry in ClinVar:

NM_130384.3(ATRIP):c.10A>C (p.Thr4Pro)

Genes: ATRIP (ATR interacting protein; plus strand), ATRIP-TREX1 (ATRIP-TREX1 readthrough; plus strand), LOC129936703 (ATAC-STARR-seq lymphoblastoid silent region 14331; plus strand). Cytogenetic location: 3p21.31.
Variant type: single nucleotide variant.
Coding change: c.10A>C on transcript NM_130384.3 (MANE Select); coding-DNA position 10, A replaced by C.
Protein change: p.Thr4Pro; replaces threonine 4 with proline.
Molecular consequence: missense variant. On other transcripts: non-coding transcript variant (1), intron variant (1).
Genome position (GRCh38, 1-based): chr3:48,446,855, A>C. VCF-style: chr3-48446855-A-C. GRCh37 (hg19) VCF-style: chr3-48488259-A-C.
Other names: c.10A>C, p.Thr4Pro (NM_032166.4); c.-218+56A>C (NM_001271022.2); short protein forms T4P.
Identifiers: ClinVar variation 4644583 (VCV004644583.1).
Genomic context (GRCh38, chr3:48,446,855, plus strand): 5'-GGCAGGCAAGTCTAGCTCGGCGCTGTCGGATACTTGGGGTGAGCGGAAAGCATGGCGGGG[A>C]CCTCCGCGCCAGGCAGCAAGAGGCGGAGCGAGCCCCCGGCGCCTCGCCCCGGCCCGCCGC-3'
Protein context (NP_569055.1, residues 1-14): MAG[Thr4Pro]SAPGSKRRSE

ClinVar aggregate classification (germline): Uncertain significance (1 of 4 stars; one submission).

gnomAD v4.1: 2 of 1,398,666 alleles (0.00014%); highest among the groups gnomAD compares: South Asian, 0.0038%; no homozygotes.

Submission:

Ambry Genetics
Classification: Uncertain significance. Last evaluated: 2025-11-10. Review status: criteria provided, single submitter. Criteria: Ambry Variant Classification Scheme 2023. Collection method: clinical testing. Allele origin: germline.
Comment: The p.T4P variant (also known as c.10A>C), located in coding exon 1 of the ATRIP gene, results from an A to C substitution at nucleotide position 10. The threonine at codon 4 is replaced by proline, an amino acid with highly similar properties. This amino acid position is conserved. In addition, this alteration is predicted to be tolerated by in silico analysis. Based on the available evidence, the clinical significance of this variant remains unclear.